The following is an entry in ClinVar:

NM_005585.5(SMAD6):c.439G>T (p.Gly147Trp)

Gene: SMAD6 (SMAD family member 6; plus strand). Cytogenetic location: 15q22.31.
Variant type: single nucleotide variant.
Coding change: c.439G>T on transcript NM_005585.5 (MANE Select); coding-DNA position 439, G replaced by T.
Protein change: p.Gly147Trp; replaces glycine 147 with tryptophan.
Molecular consequence: missense variant. On other transcripts: non-coding transcript variant (1).
Genome position (GRCh38, 1-based): chr15:66,703,697, G>T. VCF-style: chr15-66703697-G-T. GRCh37 (hg19) VCF-style: chr15-66996035-G-T.
Other names: short protein forms G147W.
Identifiers: ClinVar variation 941156 (VCV000941156.9), dbSNP rs867644316, ClinGen allele CA392949557.

ClinVar aggregate classification (germline): Uncertain significance (1 of 4 stars; one submission).

Conditions:
Aortic valve disease 2 (AOVD2). Identifiers: MedGen C3542024, MONDO:0013902, OMIM 614823.

Submission:

Labcorp Genetics (formerly Invitae), Labcorp
Classification: Uncertain significance for Aortic valve disease 2. Last evaluated: 2019-08-22. Review status: criteria provided, single submitter. Criteria: Invitae Variant Classification Sherloc (09022015). Collection method: clinical testing. Allele origin: germline.
Comment: In summary, the available evidence is currently insufficient to determine the role of this variant in disease. Therefore, it has been classified as a Variant of Uncertain Significance. Algorithms developed to predict the effect of missense changes on protein structure and function (SIFT, PolyPhen-2, Align-GVGD) all suggest that this variant is likely to be tolerated, but these predictions have not been confirmed by published functional studies and their clinical significance is uncertain. This variant has not been reported in the literature in individuals with SMAD6-related conditions. The frequency data for this variant in the population databases is considered unreliable, as metrics indicate insufficient coverage at this position in the ExAC database. This sequence change replaces glycine with tryptophan at codon 147 of the SMAD6 protein (p.Gly147Trp). The glycine residue is weakly conserved and there is a large physicochemical difference between glycine and tryptophan.